The following is an entry in ClinVar:

ClinVar aggregate classification (germline): Uncertain significance (1 of 4 stars; one submission).

Submission:

Labcorp Genetics (formerly Invitae), Labcorp
Classification: Uncertain significance. Last evaluated: 2022-03-28. Review status: criteria provided, single submitter. Criteria: Invitae Variant Classification Sherloc (09022015). Collection method: clinical testing. Allele origin: germline.
Comment: This sequence change falls in intron 10 of the PLK4 gene. It does not directly change the encoded amino acid sequence of the PLK4 protein. The frequency data for this variant in the population databases is considered unreliable, as metrics indicate poor data quality at this position in the gnomAD database. This variant has not been reported in the literature in individuals affected with PLK4-related conditions. Algorithms developed to predict the effect of sequence changes on RNA splicing suggest that this variant may disrupt the consensus splice site. In summary, the available evidence is currently insufficient to determine the role of this variant in disease. Therefore, it has been classified as a Variant of Uncertain Significance.

NM_014264.5(PLK4):c.2189-16_2189-9del

Gene: PLK4 (polo like kinase 4; plus strand). Cytogenetic location: 4q28.1.
Variant type: Deletion.
Coding change: c.2189-16_2189-9del on transcript NM_014264.5 (MANE Select); 16 bases into the intron before coding-DNA position 2189 through 9 bases into the intron before coding-DNA position 2189, 8 bases deleted (GATTTTTT; older notation c.2189-16_2189-9delGATTTTTT).
Molecular consequence: intron variant.
Genome position (GRCh38, 1-based): chr4:127,893,269-127,893,276, GATTTTTT deleted; deleting any 8 consecutive bases within chr4:127,893,268-127,893,276 gives the same sequence; the c. name uses the placement nearest the transcript's 3' end. VCF-style (leftmost placement, unchanged base first): chr4-127893267-CTGATTTTT-C. GRCh37 (hg19) VCF-style: chr4-128814422-CTGATTTTT-C.
Other names: c.2093-16_2093-9del (NM_001190799.2); c.2066-16_2066-9del (NM_001190801.2).
Identifiers: ClinVar variation 1943015 (VCV001943015.2), dbSNP rs769108181, ClinGen allele CA3076979.